The following is an entry in ClinVar:

NM_003470.3(USP7):c.2837G>T (p.Ser946Ile)

Gene: USP7 (ubiquitin specific peptidase 7; minus strand). Cytogenetic location: 16p13.2.
Variant type: single nucleotide variant.
Coding change: c.2837G>T on transcript NM_003470.3 (MANE Select); coding-DNA position 2837, G replaced by T.
Protein change: p.Ser946Ile; replaces serine 946 with isoleucine.
Molecular consequence: missense variant. On other transcripts: non-coding transcript variant (1).
Genome position (GRCh38, 1-based): chr16:8,895,724, C>A on the plus strand (G>T on the coding strand, the complement: USP7 is on the minus strand). VCF-style: chr16-8895724-C-A. GRCh37 (hg19) VCF-style: chr16-8989581-C-A.
Other names: c.2789G>T, p.Ser930Ile (NM_001286457.2); c.2540G>T, p.Ser847Ile (NM_001286458.2); c.2663G>T, p.Ser888Ile (NM_001321858.2); short protein forms S847I, S888I, S930I, S946I.
Identifiers: ClinVar variation 3364231 (VCV003364231.1).

ClinVar aggregate classification (germline): Uncertain significance (1 of 4 stars; one submission).

Submission:

GeneDx
Classification: Uncertain significance. Last evaluated: 2023-11-14. Review status: criteria provided, single submitter. Criteria: GeneDx Variant Classification Process June 2021. Collection method: clinical testing. Allele origin: germline. Affected: yes.
Comment: Not observed at significant frequency in large population cohorts (gnomAD); In silico analysis supports that this missense variant has a deleterious effect on protein structure/function; Has not been previously published as pathogenic or benign to our knowledge